The following is an entry in ClinVar:

NM_004098.4(EMX2):c.42G>A (p.Ser14=)

Genes: EMX2 (empty spiracles homeobox 2; plus strand), EMX2OS (EMX2 opposite strand/antisense RNA; minus strand). Cytogenetic location: 10q26.11.
Variant type: single nucleotide variant.
Coding change: c.42G>A on transcript NM_004098.4 (MANE Select); coding-DNA position 42, G replaced by A.
Protein change: p.Ser14=; no amino-acid change (serine 14 retained).
Molecular consequence: synonymous variant.
Genome position (GRCh38, 1-based): chr10:117,543,309, G>A. VCF-style: chr10-117543309-G-A. GRCh37 (hg19) VCF-style: chr10-119302820-G-A.
Other names: c.42G>A, p.Ser14= (NM_001165924.2).
Identifiers: ClinVar variation 3033057 (VCV003033057.2), dbSNP rs375691102, ClinGen allele CA5711364.

ClinVar aggregate classification (germline): Likely benign (0 of 4 stars; one submission).

Conditions:
EMX2-related disorder. Also called: EMX2-related condition.

Allele frequency attached by ClinVar (database versions not stated): ExAC 0.00007; ESP Exome Variant Server 0.00008; TOPMed 0.00018.

Submission:

PreventionGenetics, part of Exact Sciences
Classification: Likely benign for EMX2-related condition. Last evaluated: 2022-10-19. Review status: no assertion criteria provided. Collection method: clinical testing. Allele origin: germline.
Comment: This variant is classified as likely benign based on ACMG/AMP sequence variant interpretation guidelines (Richards et al. 2015 PMID: 25741868, with internal and published modifications).